The following is an entry in ClinVar:

ClinVar aggregate classification (germline): Likely benign. Review status: criteria provided, multiple submitters, no conflicts (2 of 4 stars). 2 submissions from 2 submitters: Likely benign (2). Last evaluated 2025-12-14.

Conditions:
Charcot-Marie-Tooth disease axonal type 2S. Also called: CHARCOT-MARIE-TOOTH DISEASE, AXONAL, AUTOSOMAL RECESSIVE, TYPE 2S; CHARCOT-MARIE-TOOTH NEUROPATHY, TYPE 2S. Identifiers: Orphanet 443073, MedGen C4015349, MONDO:0014511, OMIM 616155.
Autosomal recessive distal spinal muscular atrophy 1. Also called: NEURONOPATHY, DISTAL HEREDITARY MOTOR, HARDING TYPE VI; NEUROPATHY, DISTAL HEREDITARY MOTOR, AUTOSOMAL RECESSIVE 1; NEURONOPATHY, SEVERE INFANTILE AXONAL, WITH RESPIRATORY FAILURE; SEVERE INFANTILE AXONAL NEUROPATHY WITH RESPIRATORY FAILURE; HMN VI; SPINAL MUSCULAR ATROPHY, DIAPHRAGMATIC. Identifiers: Orphanet 98920, MedGen C1858517, MONDO:0011436, OMIM 604320.

Allele frequency attached by ClinVar (database versions not stated): gnomAD exomes below 0.00001; TOPMed below 0.00001; gnomAD 0.00001.
gnomAD v4.1: 41 of 1,613,794 alleles (0.0025%); highest among the groups gnomAD compares: Non-Finnish European, 0.0032%; no homozygotes.

Submissions (2):

Mayo Clinic Laboratories, Mayo Clinic
Classification: Likely benign. Last evaluated: 2025-12-14. Review status: criteria provided, single submitter. Criteria: ACMG Guidelines, 2015. Collection method: clinical testing. Allele origin: germline. Observed: 1 variant allele.
Comment: BP4, BP7

Labcorp Genetics (formerly Invitae), Labcorp
Classification: Likely benign for Autosomal recessive distal spinal muscular atrophy 1; Charcot-Marie-Tooth disease axonal type 2S. Last evaluated: 2024-02-06. Review status: criteria provided, single submitter. Criteria: Invitae Variant Classification Sherloc (09022015). Collection method: clinical testing. Allele origin: germline.

NM_002180.3(IGHMBP2):c.1756+8G>T

Gene: IGHMBP2 (immunoglobulin mu DNA binding protein 2; plus strand). Cytogenetic location: 11q13.3.
Variant type: single nucleotide variant.
Coding change: c.1756+8G>T on transcript NM_002180.3 (MANE Select); 8 bases into the intron after coding-DNA position 1756, G replaced by T.
Molecular consequence: intron variant.
Genome position (GRCh38, 1-based): chr11:68,935,430, G>T. VCF-style: chr11-68935430-G-T. GRCh37 (hg19) VCF-style: chr11-68702898-G-T.
Other names: p.?; c.1756+8G>T (NM_002180.2).
Identifiers: ClinVar variation 1142459 (VCV001142459.10), dbSNP rs1441125557, ClinGen allele CA599992224.